The following is an entry in ClinVar:

NM_006424.3(SLC34A2):c.1492G>A (p.Gly498Ser)

Gene: SLC34A2 (solute carrier family 34 member 2; plus strand). Cytogenetic location: 4p15.2.
Variant type: single nucleotide variant.
Coding change: c.1492G>A on transcript NM_006424.3 (MANE Select); coding-DNA position 1492, G replaced by A.
Protein change: p.Gly498Ser; replaces glycine 498 with serine.
Molecular consequence: missense variant.
Genome position (GRCh38, 1-based): chr4:25,676,168, G>A. VCF-style: chr4-25676168-G-A. GRCh37 (hg19) VCF-style: chr4-25677790-G-A.
Other names: c.1489G>A, p.Gly497Ser (NM_001177998.2, NM_001177999.2); short protein forms G497S, G498S.
Identifiers: ClinVar variation 1395456 (VCV001395456.8), dbSNP rs1022453751, ClinGen allele CA93663569.

ClinVar aggregate classification (germline): Uncertain significance (1 of 4 stars; one submission).

Allele frequency attached by ClinVar (database versions not stated): gnomAD exomes below 0.00001.
gnomAD v4.1: 5 of 1,614,046 alleles (0.00031%); highest among the groups gnomAD compares: Non-Finnish European, 0.00042%; no homozygotes.

Submission:

Labcorp Genetics (formerly Invitae), Labcorp
Classification: Uncertain significance. Last evaluated: 2022-07-19. Review status: criteria provided, single submitter. Criteria: Invitae Variant Classification Sherloc (09022015). Collection method: clinical testing. Allele origin: germline.
Comment: In summary, the available evidence is currently insufficient to determine the role of this variant in disease. Therefore, it has been classified as a Variant of Uncertain Significance. Algorithms developed to predict the effect of sequence changes on RNA splicing suggest that this variant may create or strengthen a splice site. Algorithms developed to predict the effect of missense changes on protein structure and function are either unavailable or do not agree on the potential impact of this missense change (SIFT: "Deleterious"; PolyPhen-2: "Probably Damaging"; Align-GVGD: "Class C0"). ClinVar contains an entry for this variant (Variation ID: 1395456). This variant has not been reported in the literature in individuals affected with SLC34A2-related conditions. This variant is present in population databases (no rsID available, gnomAD 0.0009%). This sequence change replaces glycine, which is neutral and non-polar, with serine, which is neutral and polar, at codon 498 of the SLC34A2 protein (p.Gly498Ser).